The following is an entry in ClinVar:

ClinVar aggregate classification (germline): Pathogenic. Review status: criteria provided, multiple submitters, no conflicts (2 of 4 stars). 3 submissions from 3 submitters: Pathogenic (3). Last evaluated 2026-09-22.

Conditions:
Familial benign pemphigus (HHD). Identifiers: Orphanet 2841, MedGen C0085106, MONDO:0008218, OMIM 169600.
ATP2C1-related disorder. Also called: ATP2C1-related condition.

Allele frequency attached by ClinVar (database versions not stated): gnomAD exomes below 0.00001; gnomAD 0.00001.
gnomAD v4.1: 3 of 1,605,810 alleles (0.00019%); highest among the groups gnomAD compares: South Asian, 0.0011%; no homozygotes.

Submissions (3):

Clinical Genetics Laboratory, Skane University Hospital Lund
Classification: Pathogenic for Familial benign pemphigus. Last evaluated: 2026-09-22. Review status: criteria provided, single submitter. Criteria: ACMG Guidelines, 2015. Collection method: clinical testing. Allele origin: germline. Affected: yes.
Comment: ACMG criteria used: PVS1, PS4_Moderate and PM2.

Labcorp Genetics (formerly Invitae), Labcorp
Classification: Pathogenic. Last evaluated: 2024-12-03. Review status: criteria provided, single submitter. Criteria: Invitae Variant Classification Sherloc (09022015). Collection method: clinical testing. Allele origin: germline.
Comment: This sequence change creates a premature translational stop signal (p.Arg799*) in the ATP2C1 gene. It is expected to result in an absent or disrupted protein product. Loss-of-function variants in ATP2C1 are known to be pathogenic (PMID: 10615129, 10767338, 11841554). This variant is present in population databases (no rsID available, gnomAD 0.0009%). This premature translational stop signal has been observed in individual(s) with Hailey-Hailey disease (PMID: 11966689, 28035777). This variant is also known as 2347C>T; R783X. ClinVar contains an entry for this variant (Variation ID: 1451141). For these reasons, this variant has been classified as Pathogenic.

Blueprint Genetics
Classification: Pathogenic for ATP2C1-related disorders. Last evaluated: 2020-01-28. Review status: criteria provided, single submitter. Criteria: ACMG Guidelines, 2015. Collection method: clinical testing. Allele origin: germline. Affected: yes. Observed: 1 variant allele.

Literature cited by the submitters: PubMed 10615129 (cited by Labcorp Genetics (formerly Invitae), Labcorp); PubMed 10767338 (cited by Labcorp Genetics (formerly Invitae), Labcorp); PubMed 11841554 (cited by Labcorp Genetics (formerly Invitae), Labcorp); PubMed 11966689 (cited by Labcorp Genetics (formerly Invitae), Labcorp); PubMed 28035777 (cited by Labcorp Genetics (formerly Invitae), Labcorp).

NM_001378687.1(ATP2C1):c.2395C>T (p.Arg799Ter)

Gene: ATP2C1 (ATPase secretory pathway Ca2+ transporting 1; plus strand). Cytogenetic location: 3q22.1.
Variant type: single nucleotide variant.
Coding change: c.2395C>T on transcript NM_001378687.1 (MANE Select); coding-DNA position 2395, C replaced by T.
Protein change: p.Arg799Ter; replaces arginine 799 with a stop codon.
Molecular consequence: nonsense.
Genome position (GRCh38, 1-based): chr3:130,998,297, C>T. VCF-style: chr3-130998297-C-T. GRCh37 (hg19) VCF-style: chr3-130717141-C-T.
Other names: c.2395C>T, p.Arg799Ter (NM_001001485.3, NM_001001486.2, NM_001001487.2 and 5 more transcripts); c.2497C>T, p.Arg833Ter (NM_001199180.2, NM_001199181.3, NM_001378511.1); c.2380C>T, p.Arg794Ter (NM_001199182.2); c.2347C>T, p.Arg783Ter (NM_001199183.2, NM_001199184.3, NM_001378514.1); short protein forms R799*, R783*, R794*, R833*.
Identifiers: ClinVar variation 1451141 (VCV001451141.8), dbSNP rs1196190757, ClinGen allele CA354537318.